The following is an entry in ClinVar:

ClinVar aggregate classification (germline): Pathogenic. Review status: criteria provided, multiple submitters, no conflicts (2 of 4 stars). 4 submissions from 4 submitters: Pathogenic (3). 1 of the submissions does not count toward it. Last evaluated 2025-03-25.

Conditions:
Developmental and epileptic encephalopathy, 43 (DEE43). Also called: Epileptic encephalopathy, early infantile, 43. Identifiers: MedGen C4310712, MONDO:0014921, OMIM 617113.
Epilepsy, childhood absence, susceptibility to, 5. Identifiers: Orphanet 64280, MedGen C2677087, MONDO:0012843, OMIM 612269.
Epilepsy, childhood absence, susceptibility to, 1. Also called: Epilepsy, childhood absence 1. Identifiers: Orphanet 64280, MedGen C1838604, MONDO:0020759, OMIM 600131.

gnomAD v4.1: 1 of 1,614,090 alleles (0.000062%); highest among the groups gnomAD compares: Non-Finnish European, 0.000085%; no homozygotes.

Submissions (4):

GeneDx
Classification: Pathogenic. Last evaluated: 2025-03-25. Review status: criteria provided, single submitter. Criteria: GeneDx Variant Classification Process June 2021. Collection method: clinical testing. Allele origin: germline. Affected: yes.
Comment: Nonsense variant predicted to result in protein truncation or nonsense mediated decay in a gene for which loss of function is a known mechanism of disease; Not observed at significant frequency in large population cohorts (gnomAD); This variant is associated with the following publications: (PMID: 39228214, 33585817)

3billion
Classification: Pathogenic for Developmental and epileptic encephalopathy, 43. Last evaluated: 2025-03-05. Review status: criteria provided, single submitter. Criteria: ACMG Guidelines, 2015. Collection method: clinical testing. Allele origin: germline. Affected: yes.
Comment: The variant is observed at an extremely low frequency in the gnomAD v4.1.0 dataset (total allele frequency: <0.001%). Predicted Consequence/Location: Stop-gained (nonsense): predicted to result in a loss or disruption of normal protein function through nonsense-mediated decay (NMD) or protein truncation. Multiple pathogenic variants are reported downstream of the variant. The variant has been reported to be associated with GABRB3-related disorder (ClinVar ID: VCV001723205 /PMID: 33585817). Therefore, this variant is classified as Pathogenic according to the recommendation of ACMG/AMP guideline.

Labcorp Genetics (formerly Invitae), Labcorp
Classification: Pathogenic for Epilepsy, childhood absence, susceptibility to, 5; Epilepsy, childhood absence, susceptibility to, 1. Last evaluated: 2024-07-06. Review status: criteria provided, single submitter. Criteria: Invitae Variant Classification Sherloc (09022015). Collection method: clinical testing. Allele origin: germline.
Comment: This sequence change creates a premature translational stop signal (p.Arg194*) in the GABRB3 gene. It is expected to result in an absent or disrupted protein product. Loss-of-function variants in GABRB3 are known to be pathogenic (PMID: 26950270, 28053010). This variant is not present in population databases (gnomAD no frequency). This variant has not been reported in the literature in individuals affected with GABRB3-related conditions. ClinVar contains an entry for this variant (Variation ID: 1723205). For these reasons, this variant has been classified as Pathogenic.

OMIM
Classification: Pathogenic for DEVELOPMENTAL AND EPILEPTIC ENCEPHALOPATHY 43. Last evaluated: 2022-11-11. Review status: no assertion criteria provided. Collection method: literature only. Allele origin: germline. Not counted in ClinVar's aggregate classification.

Literature cited by the submitters: PubMed 33585817 (cited by 3billion and OMIM); PubMed 26950270 (cited by Labcorp Genetics (formerly Invitae), Labcorp); PubMed 28053010 (cited by Labcorp Genetics (formerly Invitae), Labcorp).

NM_000814.6(GABRB3):c.580C>T (p.Arg194Ter)

Gene: GABRB3 (gamma-aminobutyric acid type A receptor subunit beta3; minus strand). Cytogenetic location: 15q12.
Variant type: single nucleotide variant.
Coding change: c.580C>T on transcript NM_000814.6 (MANE Select); coding-DNA position 580, C replaced by T.
Protein change: p.Arg194Ter; replaces arginine 194 with a stop codon.
Molecular consequence: nonsense.
Genome position (GRCh38, 1-based): chr15:26,580,421, G>A on the plus strand (C>T on the coding strand, the complement: GABRB3 is on the minus strand). VCF-style: chr15-26580421-G-A. GRCh37 (hg19) VCF-style: chr15-26825568-G-A.
Other names: R194*; c.325C>T, p.Arg109Ter (NM_001191320.2, NM_001278631.2); c.367C>T, p.Arg123Ter (NM_001191321.3); c.580C>T, p.Arg194Ter (NM_021912.5); short protein forms R123*, R109*.
Identifiers: ClinVar variation 1723205 (VCV001723205.8), dbSNP rs1555368345, ClinGen allele CA391464135.